The following is an entry in ClinVar:

NM_005428.4(VAV1):c.1937A>G (p.Glu646Gly)

Gene: VAV1 (vav guanine nucleotide exchange factor 1; plus strand). Cytogenetic location: 19p13.3.
Variant type: single nucleotide variant.
Coding change: c.1937A>G on transcript NM_005428.4 (MANE Select); coding-DNA position 1937, A replaced by G.
Protein change: p.Glu646Gly; replaces glutamic acid 646 with glycine.
Molecular consequence: missense variant. On other transcripts: intron variant (1).
Genome position (GRCh38, 1-based): chr19:6,837,007, A>G. VCF-style: chr19-6837007-A-G. GRCh37 (hg19) VCF-style: chr19-6837018-A-G.
Other names: c.1841A>G, p.Glu614Gly (NM_001258207.2); c.1914+439A>G (NM_001258206.2); short protein forms E614G, E646G.
Identifiers: ClinVar variation 1719583 (VCV001719583.5), dbSNP rs2512387179, ClinGen allele CA403632300.
Genomic context (GRCh38, chr19:6,837,007, plus strand): 5'-AACCTCTCTGTTCCTGTTTTTGTCTCCTGGGTGTTTAGGGCAGAAATACATCTACTAATG[A>G]AATTGGCTGGTTTCCTTGTAACAGGGTGAAGCCCTATGTCCATGTGAGTGCCTCAAGTCT-3'
Protein context (NP_005419.2, residues 636-656): WWEGRNTSTN[Glu646Gly]IGWFPCNRVK

ClinVar aggregate classification (germline): Uncertain significance (1 of 4 stars; one submission).

Allele frequency attached by ClinVar (database versions not stated): gnomAD exomes below 0.00001.
gnomAD v4.1: 1 of 1,614,140 alleles (0.000062%); highest among the groups gnomAD compares: Non-Finnish European, 0.000085%; no homozygotes.

Submission:

Labcorp Genetics (formerly Invitae), Labcorp
Classification: Uncertain significance. Last evaluated: 2022-09-16. Review status: criteria provided, single submitter. Criteria: Invitae Variant Classification Sherloc (09022015). Collection method: clinical testing. Allele origin: germline.
Comment: Algorithms developed to predict the effect of missense changes on protein structure and function (SIFT, PolyPhen-2, Align-GVGD) all suggest that this variant is likely to be tolerated. This sequence change replaces glutamic acid, which is acidic and polar, with glycine, which is neutral and non-polar, at codon 646 of the VAV1 protein (p.Glu646Gly). This variant is not present in population databases (gnomAD no frequency). This variant has not been reported in the literature in individuals affected with VAV1-related conditions. Algorithms developed to predict the effect of sequence changes on RNA splicing suggest that this variant may create or strengthen a splice site. In summary, the available evidence is currently insufficient to determine the role of this variant in disease. Therefore, it has been classified as a Variant of Uncertain Significance.